The following is an entry in ClinVar:

ClinVar aggregate classification (germline): Likely pathogenic (1 of 4 stars; one submission).

Conditions:
Dilated cardiomyopathy 1G (CMD1G). Identifiers: Orphanet 154, MedGen C1858763, MONDO:0011400, OMIM 604145.
Autosomal recessive limb-girdle muscular dystrophy type 2J (LGMDR10). Also called: Limb-girdle muscular dystrophy, type 2J; MUSCULAR DYSTROPHY, LIMB-GIRDLE, AUTOSOMAL RECESSIVE 10. Identifiers: Orphanet 140922, MedGen C1837342, MONDO:0012127, OMIM 608807.

Submission:

Labcorp Genetics (formerly Invitae), Labcorp
Classification: Likely pathogenic for Dilated cardiomyopathy 1G; Autosomal recessive limb-girdle muscular dystrophy type 2J. Last evaluated: 2024-10-18. Review status: criteria provided, single submitter. Criteria: Invitae Variant Classification Sherloc (09022015). Collection method: clinical testing. Allele origin: germline.
Comment: This sequence change creates a premature translational stop signal (p.Ser14552*) in the TTN gene. While this is not anticipated to result in nonsense mediated decay, it is expected to create a truncated TTN protein. This variant is not present in population databases (gnomAD no frequency). This variant has not been reported in the literature in individuals affected with TTN-related conditions. Algorithms developed to predict the effect of sequence changes on RNA splicing suggest that this variant may create or strengthen a splice site. This variant is located in the I band of TTN (PMID: 25589632). Truncating variants in this region have been reported in individuals affected with autosomal recessive centronuclear myopathy (PMID: 23975875, internal data). Truncating variants in this region have also been identified in individuals affected with autosomal dominant dilated cardiomyopathy and/or cardio-related conditions (PMID: 27869827, 32964742, internal data). In summary, the currently available evidence indicates that the variant is pathogenic, but additional data are needed to prove that conclusively. Therefore, this variant has been classified as Likely Pathogenic.

Literature cited by the submitters: PubMed 25589632; PubMed 23975875; PubMed 27869827; PubMed 32964742.

NM_001267550.2(TTN):c.43655C>A (p.Ser14552Ter)

Gene: TTN (titin; minus strand). Cytogenetic location: 2q31.2.
Variant type: single nucleotide variant.
Coding change: c.43655C>A on transcript NM_001267550.2 (MANE Select); coding-DNA position 43655, C replaced by A.
Protein change: p.Ser14552Ter; replaces serine 14552 with a stop codon.
Molecular consequence: nonsense.
Genome position (GRCh38, 1-based): chr2:178,632,239, G>T on the plus strand (C>A on the coding strand, the complement: TTN is on the minus strand). VCF-style: chr2-178632239-G-T. GRCh37 (hg19) VCF-style: chr2-179496966-G-T.
Other names: c.38732C>A, p.Ser12911Ter (NM_001256850.1); c.16460C>A, p.Ser5487Ter (NM_003319.4); c.35951C>A, p.Ser11984Ter (NM_133378.4); c.16835C>A, p.Ser5612Ter (NM_133432.3); c.17036C>A, p.Ser5679Ter (NM_133437.4); short protein forms S5487*, S5612*, S5679*, S12911*, S11984*, S14552*.
Identifiers: ClinVar variation 2945252 (VCV002945252.3), dbSNP rs1454698596, ClinGen allele CA349649542.